The following is an entry in ClinVar:

ClinVar aggregate classification (germline): Uncertain significance (1 of 4 stars; one submission).

Allele frequency attached by ClinVar (database versions not stated): gnomAD exomes below 0.00001; ExAC 0.00001.
gnomAD v4.1: 1 of 1,614,178 alleles (0.000062%); highest among the groups gnomAD compares: Admixed American, 0.0017%; no homozygotes.

Submission:

GeneDx
Classification: Uncertain significance. Last evaluated: 2019-07-08. Review status: criteria provided, single submitter. Criteria: GeneDx Variant Classification Process June 2021. Collection method: clinical testing. Allele origin: germline. Affected: yes.
Comment: Nonsense variant predicted to result in protein truncation or nonsense mediated decay in a gene for which loss-of-function is not a known mechanism of disease; Has not been previously published as pathogenic or benign to our knowledge

NM_001130438.3(SPTAN1):c.4733C>A (p.Ser1578Ter)

Gene: SPTAN1 (spectrin alpha, non-erythrocytic 1; plus strand). Cytogenetic location: 9q34.11.
Variant type: single nucleotide variant.
Coding change: c.4733C>A on transcript NM_001130438.3 (MANE Select); coding-DNA position 4733, C replaced by A.
Protein change: p.Ser1578Ter; replaces serine 1578 with a stop codon.
Molecular consequence: nonsense.
Genome position (GRCh38, 1-based): chr9:128,609,259, C>A. VCF-style: chr9-128609259-C-A. GRCh37 (hg19) VCF-style: chr9-131371538-C-A.
Other names: c.4673C>A, p.Ser1558Ter (NM_001195532.2, NM_001363765.2, NM_001375314.2); c.4733C>A, p.Ser1578Ter (NM_001363759.2, NM_001375310.1, NM_001375311.2 and 2 more transcripts); c.4769C>A, p.Ser1590Ter (NM_001375312.2, NM_001375318.1); short protein forms S1558*, S1578*, S1590*.
Identifiers: ClinVar variation 1307007 (VCV001307007.2), dbSNP rs756887707, ClinGen allele CA5265258.